The following is an entry in ClinVar:

ClinVar aggregate classification (germline): Uncertain significance (1 of 4 stars; one submission).

Conditions:
Pallister-Hall syndrome (PHS). Also called: HYPOTHALAMIC HAMARTOBLASTOMA, HYPOPITUITARISM, IMPERFORATE ANUS, AND POSTAXIAL POLYDACTYLY; GLI3-Related Pallister-Hall Syndrome. Identifiers: Orphanet 672, MedGen C0265220, MONDO:0007804, OMIM 146510.
Greig cephalopolysyndactyly syndrome (GCPS). Also called: POLYSYNDACTYLY WITH PECULIAR SKULL SHAPE; Greig syndrome; GLI3-Related Greig Cephalopolysyndactyly Syndrome. Identifiers: Orphanet 380, MedGen C0265306, MONDO:0008287, OMIM 175700.

Submission:

Labcorp Genetics (formerly Invitae), Labcorp
Classification: Uncertain significance for Pallister-Hall syndrome; Greig cephalopolysyndactyly syndrome. Last evaluated: 2023-04-29. Review status: criteria provided, single submitter. Criteria: Invitae Variant Classification Sherloc (09022015). Collection method: clinical testing. Allele origin: germline.
Comment: Advanced modeling of protein sequence and biophysical properties (such as structural, functional, and spatial information, amino acid conservation, physicochemical variation, residue mobility, and thermodynamic stability) performed at Invitae indicates that this missense variant is expected to disrupt GLI3 protein function. In summary, the available evidence is currently insufficient to determine the role of this variant in disease. Therefore, it has been classified as a Variant of Uncertain Significance. This variant has not been reported in the literature in individuals affected with GLI3-related conditions. This variant is not present in population databases (gnomAD no frequency). This sequence change replaces serine, which is neutral and polar, with cysteine, which is neutral and slightly polar, at codon 907 of the GLI3 protein (p.Ser907Cys).

NM_000168.6(GLI3):c.2719A>T (p.Ser907Cys)

Gene: GLI3 (GLI family zinc finger 3; minus strand). Cytogenetic location: 7p14.1.
Variant type: single nucleotide variant.
Coding change: c.2719A>T on transcript NM_000168.6 (MANE Select); coding-DNA position 2719, A replaced by T.
Protein change: p.Ser907Cys; replaces serine 907 with cysteine.
Molecular consequence: missense variant.
Genome position (GRCh38, 1-based): chr7:41,966,354, T>A on the plus strand (A>T on the coding strand, the complement: GLI3 is on the minus strand). VCF-style: chr7-41966354-T-A. GRCh37 (hg19) VCF-style: chr7-42005952-T-A.
Other names: short protein forms S907C.
Identifiers: ClinVar variation 2947291 (VCV002947291.3), dbSNP rs2484379705, ClinGen allele CA367320490.